The following is an entry in ClinVar:

ClinVar aggregate classification (germline): Benign. Review status: criteria provided, multiple submitters, no conflicts (2 of 4 stars). 5 submissions from 4 submitters: Benign (5). Last evaluated 2025-12-17.

Conditions:
Popliteal pterygium syndrome (PPS). Identifiers: Orphanet 294963, MedGen C0265259, MONDO:0017435.
Van der Woude syndrome. Identifiers: Orphanet 888, MedGen C0175697, MONDO:0019508.
Orofacial cleft 6, susceptibility to (OFC6). Also called: CLEFT LIP WITH OR WITHOUT CLEFT PALATE, NONSYNDROMIC, 6. Identifiers: MedGen C1837213, MONDO:0012141, OMIM 608864.
Van der Woude syndrome 1. Also called: CLEFT LIP AND/OR PALATE WITH MUCOUS CYSTS OF LOWER LIP; van der Woude Syndrome (VWS). Identifiers: MedGen C4551864, MONDO:0007333, OMIM 119300.

Allele frequency attached by ClinVar (database versions not stated): 1000 Genomes Project 30x 0.01968; 1000 Genomes Project 0.02037; TOPMed 0.02124; ESP Exome Variant Server 0.02191.
gnomAD v4.1: 5,852 of 1,614,078 alleles (0.36%); highest among the groups gnomAD compares: African/African-American, 6.5%; 185 homozygotes.

Submissions (5):

Labcorp Genetics (formerly Invitae), Labcorp
Classification: Benign for Orofacial cleft 6, susceptibility to; Van der Woude syndrome; Popliteal pterygium syndrome. Last evaluated: 2025-12-17. Review status: criteria provided, single submitter. Criteria: Invitae Variant Classification Sherloc (09022015). Collection method: clinical testing. Allele origin: germline.

Illumina Laboratory Services, Illumina
Classification: Benign for Orofacial cleft 6, susceptibility to. Last evaluated: 2018-01-12. Review status: criteria provided, single submitter. Criteria: ICSL Variant Classification Criteria 13 December 2019. Collection method: clinical testing. Allele origin: germline.
Comment: This variant was observed in the ICSL laboratory as part of a predisposition screen in an ostensibly healthy population. It had not been previously curated by ICSL or reported in the Human Gene Mutation Database (HGMD: prior to June 1st, 2018), and was therefore a candidate for classification through an automated scoring system. Utilizing variant allele frequency, disease prevalence and penetrance estimates, and inheritance mode, an automated score was calculated to assess if this variant is too frequent to cause the disease. Based on the score and internal cut-off values, a variant classified as benign is not then subjected to further curation. The score for this variant resulted in a classification of benign for this disease.

Illumina Laboratory Services, Illumina
Classification: Benign for Van der Woude syndrome 1. Last evaluated: 2018-01-12. Review status: criteria provided, single submitter. Criteria: ICSL Variant Classification Criteria 13 December 2019. Collection method: clinical testing. Allele origin: germline.
Comment: the same text as in the submission from Illumina Laboratory Services, Illumina above.

GeneDx
Classification: Benign. Last evaluated: 2015-03-03. Review status: criteria provided, single submitter. Criteria: GeneDx Variant Classification Process June 2021. Collection method: clinical testing. Allele origin: germline. Affected: yes.

Breakthrough Genomics
Classification: Benign. Review status: criteria provided, single submitter. Criteria: ACMG Guidelines, 2015. Collection method: not provided. Allele origin: germline. Inheritance: Autosomal dominant inheritance. Affected: yes.

NM_006147.4(IRF6):c.390G>T (p.Gly130=)

Gene: IRF6 (interferon regulatory factor 6; minus strand). Cytogenetic location: 1q32.2.
Variant type: single nucleotide variant.
Coding change: c.390G>T on transcript NM_006147.4 (MANE Select); coding-DNA position 390, G replaced by T.
Protein change: p.Gly130=; no amino-acid change (glycine 130 retained).
Molecular consequence: synonymous variant.
Genome position (GRCh38, 1-based): chr1:209,795,408, C>A on the plus strand (G>T on the coding strand, the complement: IRF6 is on the minus strand). VCF-style: chr1-209795408-C-A. GRCh37 (hg19) VCF-style: chr1-209968753-C-A.
Other names: c.105G>T, p.Gly35= (NM_001206696.2).
Identifiers: ClinVar variation 295210 (VCV000295210.19), dbSNP rs34907424, ClinGen allele CA1377336.